The following is an entry in ClinVar:

ClinVar aggregate classification (germline): Uncertain significance (1 of 4 stars; one submission).

Allele frequency attached by ClinVar (database versions not stated): TOPMed below 0.00001; ExAC 0.00001.

Submission:

CeGaT Center for Human Genetics Tuebingen
Classification: Uncertain significance. Last evaluated: 2024-06-01. Review status: criteria provided, single submitter. Criteria: CeGaT Center For Human Genetics Tuebingen Variant Classification Criteria Version 2. Collection method: clinical testing. Allele origin: germline. Affected: yes. Observed: 1 variant allele.
Comment: SPTB: PM2

NM_001355436.2(SPTB):c.2755C>T (p.His919Tyr)

Gene: SPTB (spectrin beta, erythrocytic; minus strand). Cytogenetic location: 14q23.3.
Variant type: single nucleotide variant.
Coding change: c.2755C>T on transcript NM_001355436.2 (MANE Select); coding-DNA position 2755, C replaced by T.
Protein change: p.His919Tyr; replaces histidine 919 with tyrosine.
Molecular consequence: missense variant.
Genome position (GRCh38, 1-based): chr14:64,791,768, G>A on the plus strand (C>T on the coding strand, the complement: SPTB is on the minus strand). VCF-style: chr14-64791768-G-A. GRCh37 (hg19) VCF-style: chr14-65258486-G-A.
Other names: c.2755C>T, p.His919Tyr (NM_001024858.4, NM_001355437.2); short protein forms H919Y.
Identifiers: ClinVar variation 3250876 (VCV003250876.18), dbSNP rs772095325.
Genomic context (GRCh38, chr14:64,791,768, plus strand): 5'-CCACACCCCACCTGGTGTTCAGATGGTCCTGGTACTGCTTCACCTCCCTGCTGCGTGGGT[G>A]GCCACTCTCTACCAAGCTGTTGGCAGCGAGGTTCACACCATCAATCTGAGTCATCAAGGT-3'
Protein context (NP_001342365.1, residues 909-929): LAANSLVESG[His919Tyr]PRSREVKQYQ